The following is an entry in ClinVar:

NM_001429.4(EP300):c.5664C>G (p.Pro1888=)

Gene: EP300 (EP300 lysine acetyltransferase; plus strand). Cytogenetic location: 22q13.2.
Variant type: single nucleotide variant.
Coding change: c.5664C>G on transcript NM_001429.4 (MANE Select); coding-DNA position 5664, C replaced by G.
Protein change: p.Pro1888=; no amino-acid change (proline 1888 retained).
Molecular consequence: synonymous variant.
Genome position (GRCh38, 1-based): chr22:41,177,375, C>G. VCF-style: chr22-41177375-C-G. GRCh37 (hg19) VCF-style: chr22-41573379-C-G.
Other names: c.5586C>G, p.Pro1862= (NM_001362843.2); c.5664C>G (NM_001429.3).
Identifiers: ClinVar variation 2096619 (VCV002096619.5), dbSNP rs2145516994, ClinGen allele CA514794370.
Genomic context (GRCh38, chr22:41,177,375, plus strand): 5'-GCCCCAGCCCACTTCTCAGCCTCAGCCTACCCCTCCCAATAGCATGCCACCCTACTTGCC[C>G]AGGACTCAAGCTGCTGGCCCTGTGTCCCAGGGTAAGGCAGCAGGCCAGGTGACCCCTCCA-3'
Protein context (NP_001420.2, residues 1878-1898): TPPNSMPPYL[Pro1888=]RTQAAGPVSQ

ClinVar aggregate classification (germline): Likely benign. Review status: criteria provided, multiple submitters, no conflicts (2 of 4 stars). 2 submissions from 2 submitters: Likely benign (2). Last evaluated 2025-10-03.

Conditions:
EP300-related disorder. Also called: EP300-related condition; EP300-related disorders.
Rubinstein-Taybi syndrome due to EP300 haploinsufficiency. Also called: EP300-Related Rubinstein-Taybi Syndrome; RUBINSTEIN-TAYBI SYNDROME 2. Identifiers: Orphanet 353284, Orphanet 783, MedGen C3150941, MONDO:0013364, OMIM 613684.

Submissions (2):

PreventionGenetics, part of Exact Sciences
Classification: Likely benign for EP300-related condition. Last evaluated: 2025-10-03. Review status: criteria provided, single submitter. Criteria: ACMG Guidelines, 2015. Collection method: clinical testing. Allele origin: germline.
Comment: This variant is classified as likely benign based on ACMG/AMP sequence variant interpretation guidelines (Richards et al. 2015 PMID: 25741868, with internal and published modifications).

Labcorp Genetics (formerly Invitae), Labcorp
Classification: Likely benign for Rubinstein-Taybi syndrome due to EP300 haploinsufficiency. Last evaluated: 2022-08-09. Review status: criteria provided, single submitter. Criteria: Invitae Variant Classification Sherloc (09022015). Collection method: clinical testing. Allele origin: germline.